The following is an entry in ClinVar:

NM_001378454.1(ALMS1):c.4948C>T (p.Pro1650Ser)

Gene: ALMS1 (ALMS1 centrosome and basal body associated protein; plus strand). Cytogenetic location: 2p13.1.
Variant type: single nucleotide variant.
Coding change: c.4948C>T on transcript NM_001378454.1 (MANE Select); coding-DNA position 4948, C replaced by T.
Protein change: p.Pro1650Ser; replaces proline 1650 with serine.
Molecular consequence: missense variant.
Genome position (GRCh38, 1-based): chr2:73,451,475, C>T. VCF-style: chr2-73451475-C-T. GRCh37 (hg19) VCF-style: chr2-73678602-C-T.
Other names: c.4951C>T, p.Pro1651Ser (NM_015120.4); short protein forms P1650S, P1651S.
Identifiers: ClinVar variation 1356885 (VCV001356885.6), dbSNP rs765233016, ClinGen allele CA1713797.

ClinVar aggregate classification (germline): Conflicting classifications of pathogenicity. Review status: criteria provided, conflicting classifications (1 of 4 stars). 3 submissions from 3 submitters: Uncertain significance (2); Likely benign (1). Last evaluated 2024-03-12.

Conditions:
Cardiovascular phenotype. Identifiers: MedGen CN230736.
Alstrom syndrome (ALMS). Identifiers: Orphanet 64, MedGen C0268425, MONDO:0008763, OMIM 203800.

Allele frequency attached by ClinVar (database versions not stated): gnomAD exomes below 0.00001 and 0.00002; ExAC 0.00001; gnomAD 0.00008 and 0.00009; TOPMed 0.00009.
gnomAD v4.1: 17 of 1,613,934 alleles (0.0011%); highest among the groups gnomAD compares: African/African-American, 0.023%; no homozygotes.

Submissions (3):

Ambry Genetics
Classification: Likely benign for Cardiovascular phenotype. Last evaluated: 2024-03-12. Review status: criteria provided, single submitter. Criteria: Ambry Variant Classification Scheme 2023. Collection method: clinical testing. Allele origin: germline.

Labcorp Genetics (formerly Invitae), Labcorp
Classification: Uncertain significance for Alstrom syndrome. Last evaluated: 2022-06-04. Review status: criteria provided, single submitter. Criteria: Invitae Variant Classification Sherloc (09022015). Collection method: clinical testing. Allele origin: germline.
Comment: This sequence change replaces proline, which is neutral and non-polar, with serine, which is neutral and polar, at codon 1651 of the ALMS1 protein (p.Pro1651Ser). This variant is present in population databases (rs765233016, gnomAD 0.01%). This variant has not been reported in the literature in individuals affected with ALMS1-related conditions. ClinVar contains an entry for this variant (Variation ID: 1356885). Experimental studies and prediction algorithms are not available or were not evaluated, and the functional significance of this variant is currently unknown. In summary, the available evidence is currently insufficient to determine the role of this variant in disease. Therefore, it has been classified as a Variant of Uncertain Significance.

Fulgent Genetics
Classification: Uncertain significance for Alstrom syndrome. Last evaluated: 2022-03-02. Review status: criteria provided, single submitter. Criteria: ACMG Guidelines, 2015. Collection method: clinical testing. Allele origin: unknown.